The following is an entry in ClinVar:

ClinVar aggregate classification (germline): Likely benign (1 of 4 stars; one submission).

Submission:

CeGaT Center for Human Genetics Tuebingen
Classification: Likely benign. Last evaluated: 2022-03-01. Review status: criteria provided, single submitter. Criteria: CeGaT Center For Human Genetics Tuebingen Variant Classification Criteria Version 2. Collection method: clinical testing. Allele origin: germline. Affected: yes. Observed: 1 variant allele.
Comment: DYNC1H1: PM2:Supporting, BP4, BP7

NM_001376.5(DYNC1H1):c.7863C>T (p.Asn2621=)

Gene: DYNC1H1 (dynein cytoplasmic 1 heavy chain 1; plus strand). Cytogenetic location: 14q32.31.
Variant type: single nucleotide variant.
Coding change: c.7863C>T on transcript NM_001376.5 (MANE Select); coding-DNA position 7863, C replaced by T.
Protein change: p.Asn2621=; no amino-acid change (asparagine 2621 retained).
Molecular consequence: synonymous variant.
Genome position (GRCh38, 1-based): chr14:102,017,102, C>T. VCF-style: chr14-102017102-C-T. GRCh37 (hg19) VCF-style: chr14-102483439-C-T.
Identifiers: ClinVar variation 2644566 (VCV002644566.24), dbSNP rs2503772707, ClinGen allele CA488184909.